The following is an entry in ClinVar:

ClinVar aggregate classification (germline): Likely benign (1 of 4 stars; one submission).

Conditions:
ALPI-related disorder. Also called: ALPI-related condition.

Submission:

PreventionGenetics, part of Exact Sciences
Classification: Likely benign for ALPI-related condition. Last evaluated: 2026-06-25. Review status: criteria provided, single submitter. Criteria: ACMG Guidelines, 2015. Collection method: clinical testing. Allele origin: germline.
Comment: This variant is classified as likely benign based on ACMG/AMP sequence variant interpretation guidelines (Richards et al. 2015 PMID: 25741868, with internal and published modifications).

NM_001631.5(ALPI):c.*6C>A

Gene: ALPI (alkaline phosphatase, intestinal; plus strand). Cytogenetic location: 2q37.1.
Variant type: single nucleotide variant.
Coding change: c.*6C>A on transcript NM_001631.5 (MANE Select); 6 bases downstream of the stop codon, C replaced by A.
Molecular consequence: 3 prime UTR variant.
Genome position (GRCh38, 1-based): chr2:232,459,152, C>A. VCF-style: chr2-232459152-C-A. GRCh37 (hg19) VCF-style: chr2-233323862-C-A.
Identifiers: ClinVar variation 4981916 (VCV004981916.1).
Genomic context (GRCh38, chr2:232,459,152, plus strand): 5'-GCTGCCACTGCTGGCCGGGACCCTGCTGCTGCTGGGGGCGTCCGCTGCTCCCTGAGTGCC[C>A]CACTCCGGAGTTATCCTGCTCCCCACCTCCGGGCGTCCTGCCCTGTTCCCCGTCCTGAGC-3'